The following is an entry in ClinVar:

NM_001283009.2(RTEL1):c.712C>T (p.His238Tyr)

Genes: RTEL1 (regulator of telomere elongation helicase 1; plus strand), RTEL1-TNFRSF6B (RTEL1-TNFRSF6B readthrough (NMD candidate); plus strand). Cytogenetic location: 20q13.33.
Variant type: single nucleotide variant.
Coding change: c.712C>T on transcript NM_001283009.2 (MANE Select); coding-DNA position 712, C replaced by T.
Protein change: p.His238Tyr; replaces histidine 238 with tyrosine.
Molecular consequence: missense variant. On other transcripts: non-coding transcript variant (1).
Genome position (GRCh38, 1-based): chr20:63,672,568, C>T. VCF-style: chr20-63672568-C-T. GRCh37 (hg19) VCF-style: chr20-62303921-C-T.
Other names: c.43C>T, p.His15Tyr (NM_001283010.1); c.712C>T, p.His238Tyr (NM_016434.4); c.784C>T, p.His262Tyr (NM_032957.5); short protein forms H15Y, H262Y, H238Y.
Identifiers: ClinVar variation 2934772 (VCV002934772.4), dbSNP rs2517033438, ClinGen allele CA409671937.

ClinVar aggregate classification (germline): Uncertain significance. Review status: criteria provided, multiple submitters, no conflicts (2 of 4 stars). 2 submissions from 2 submitters: Uncertain significance (2). Last evaluated 2025-02-21.

Conditions:
Inborn genetic diseases. Identifiers: MedGen C0950123, MeSH D030342.
Dyskeratosis congenita, autosomal recessive 5 (DKCB5). Identifiers: MedGen C3554656, MONDO:0014076, OMIM 615190.
Pulmonary fibrosis and/or bone marrow failure, Telomere-related, 3. Also called: PULMONARY FIBROSIS AND/OR BONE MARROW FAILURE SYNDROME, TELOMERE-RELATED, 3. Identifiers: Orphanet 2032, MedGen C4225346, MONDO:0014613, OMIM 616373.

Submissions (2):

Ambry Genetics
Classification: Uncertain significance for Inborn genetic diseases. Last evaluated: 2025-02-21. Review status: criteria provided, single submitter. Criteria: Ambry Variant Classification Scheme 2023. Collection method: clinical testing. Allele origin: germline.
Comment: The p.H238Y variant (also known as c.712C>T), located in coding exon 8 of the RTEL1 gene, results from a C to T substitution at nucleotide position 712. The histidine at codon 238 is replaced by tyrosine, an amino acid with similar properties. This amino acid position is conserved. In addition, this alteration is predicted to be tolerated by in silico analysis. Based on the available evidence, the clinical significance of this variant remains unclear.

Labcorp Genetics (formerly Invitae), Labcorp
Classification: Uncertain significance for Dyskeratosis congenita, autosomal recessive 5; Pulmonary fibrosis and/or bone marrow failure, Telomere-related, 3. Last evaluated: 2023-03-08. Review status: criteria provided, single submitter. Criteria: Invitae Variant Classification Sherloc (09022015). Collection method: clinical testing. Allele origin: germline.
Comment: This sequence change replaces histidine, which is basic and polar, with tyrosine, which is neutral and polar, at codon 238 of the RTEL1 protein (p.His238Tyr). This variant is not present in population databases (gnomAD no frequency). This variant has not been reported in the literature in individuals affected with RTEL1-related conditions. Algorithms developed to predict the effect of missense changes on protein structure and function output the following: SIFT: "Not Available"; PolyPhen-2: "Benign"; Align-GVGD: "Not Available". The tyrosine amino acid residue is found in multiple mammalian species, which suggests that this missense change does not adversely affect protein function. In summary, the available evidence is currently insufficient to determine the role of this variant in disease. Therefore, it has been classified as a Variant of Uncertain Significance.